The following is an entry in ClinVar:

NC_000007.13:g.(117149197_117170952)_(117171169_117174329)del

Gene: CFTR (CF transmembrane conductance regulator; plus strand). Cytogenetic location: 7q31.2.
Variant type: Deletion.
Identifiers: ClinVar variation 4536730 (VCV004536730.1).

ClinVar aggregate classification (germline): Pathogenic (1 of 4 stars; one submission).

Conditions:
Cystic fibrosis (CF). Also called: MUCOVISCIDOSIS. Identifiers: Orphanet 586, MedGen C0010674, MONDO:0009061, OMIM 219700. Disease mechanism: loss of function.

Submission:

Women's Health and Genetics/Laboratory Corporation of America, LabCorp
Classification: Pathogenic for Cystic fibrosis. Last evaluated: 2025-11-13. Review status: criteria provided, single submitter. Criteria: LabCorp Variant Classification Summary - May 2015. Collection method: clinical testing. Allele origin: germline.
Comment: Variant summary: The variant involves the deletion of exon 4 in the CFTR gene. This Copy Number Variant (CNV) is predicted to result in an in-frame deletion within this gene. Loss-of-function variants in this gene are known to be pathogenic. A presumed nomenclature of c.(273+1_274-1)_(489+1_490-1)del has been designated for the purposes of this classification. The variant was absent in 21694 control chromosomes. To our knowledge, no occurrence of c.(273+1_274-1)_(489+1_490-1)del in individuals affected with CFTR-related conditions and no experimental evidence demonstrating its impact on protein function have been reported. Missense variants within the deleted region have been determined to be pathogenic (example: p.Tyr109Cys Variation ID: 7197). ClinVar contains an entry for this variant (Variation ID: 1067531). Based on the evidence outlined above, the variant was classified as pathogenic.